The following is an entry in ClinVar:

NM_152564.5(VPS13B):c.4628T>C (p.Val1543Ala)

Gene: VPS13B (vacuolar protein sorting 13 homolog B; plus strand). Cytogenetic location: 8q22.2.
Variant type: single nucleotide variant.
Coding change: c.4628T>C on transcript NM_152564.5 (MANE Select); coding-DNA position 4628, T replaced by C.
Protein change: p.Val1543Ala; replaces valine 1543 with alanine.
Molecular consequence: missense variant.
Genome position (GRCh38, 1-based): chr8:99,511,507, T>C. VCF-style: chr8-99511507-T-C. GRCh37 (hg19) VCF-style: chr8-100523735-T-C.
Other names: p.Val1568Ala; c.4703T>C, p.Val1568Ala (NM_017890.5); short protein forms V1543A, V1568A.
Identifiers: ClinVar variation 1926515 (VCV001926515.3), dbSNP rs2490523347, ClinGen allele CA371872047.

ClinVar aggregate classification (germline): Uncertain significance. Review status: criteria provided, multiple submitters, no conflicts (2 of 4 stars). 2 submissions from 2 submitters: Uncertain significance (2). Last evaluated 2025-11-15.

Conditions:
Cohen syndrome (COH1). Also called: Cutis verticis gyrata, retinitis pigmentosa, and sensorineural deafness; PEPPER SYNDROME. Identifiers: Orphanet 193, MedGen C0265223, MONDO:0008999, OMIM 216550.

Allele frequency attached by ClinVar (database versions not stated): gnomAD exomes below 0.00001.
gnomAD v4.1: 1 of 1,612,436 alleles (0.000062%); highest among the groups gnomAD compares: South Asian, 0.0011%; no homozygotes.

Submissions (2):

Mayo Clinic Laboratories, Mayo Clinic
Classification: Uncertain significance. Last evaluated: 2025-11-15. Review status: criteria provided, single submitter. Criteria: ACMG Guidelines, 2015. Collection method: clinical testing. Allele origin: germline. Observed: 1 variant allele.
Comment: BP4_moderate, PM2_supporting

Labcorp Genetics (formerly Invitae), Labcorp
Classification: Uncertain significance for Cohen syndrome. Last evaluated: 2021-09-17. Review status: criteria provided, single submitter. Criteria: Invitae Variant Classification Sherloc (09022015). Collection method: clinical testing. Allele origin: germline.
Comment: This sequence change replaces valine with alanine at codon 1568 of the VPS13B protein (p.Val1568Ala). The valine residue is weakly conserved and there is a small physicochemical difference between valine and alanine. This variant is not present in population databases (ExAC no frequency). This variant has not been reported in the literature in individuals affected with VPS13B-related conditions. Algorithms developed to predict the effect of missense changes on protein structure and function output the following: SIFT: "Not Available"; PolyPhen-2: "Benign"; Align-GVGD: "Not Available". The alanine amino acid residue is found in multiple mammalian species, which suggests that this missense change does not adversely affect protein function. In summary, the available evidence is currently insufficient to determine the role of this variant in disease. Therefore, it has been classified as a Variant of Uncertain Significance.